The following is an entry in ClinVar:

ClinVar aggregate classification (germline): Pathogenic/Likely pathogenic. Review status: criteria provided, multiple submitters, no conflicts (2 of 4 stars). 6 submissions from 6 submitters: Pathogenic (4); Likely pathogenic (2). Last evaluated 2026-06-01.

Conditions:
Inborn genetic diseases. Identifiers: MedGen C0950123, MeSH D030342.
Hereditary spastic paraplegia. Also called: Familial spastic paraparesis. Identifiers: Orphanet 685, MedGen C0037773, MONDO:0019064. Disease mechanism: loss of function.
Hereditary spastic paraplegia 11. Also called: SPASTIC PARAPLEGIA, AUTOSOMAL RECESSIVE, COMPLICATED, WITH THIN CORPUS CALLOSUM; SPASTIC PARAPLEGIA, AUTOSOMAL RECESSIVE, WITH MENTAL IMPAIRMENT AND THIN CORPUS CALLOSUM; Spastic Paraplegia 11; Nakamura Osame syndrome; Autosomal recessive hereditary spastic paraplegia, mental impairment, and thin corpus callosum; Spastic paraplegia, mental retardation and thin corpus callosum. Identifiers: Orphanet 2822, MedGen C1858479, MONDO:0011445, OMIM 604360.

Allele frequency attached by ClinVar (database versions not stated): gnomAD 0.00001; gnomAD exomes 0.00001; 1000 Genomes Project 30x 0.00031.

Submissions (6):

CeGaT Center for Human Genetics Tuebingen
Classification: Pathogenic. Last evaluated: 2026-06-01. Review status: criteria provided, single submitter. Criteria: CeGaT Center For Human Genetics Tuebingen Variant Classification Criteria Version 2. Collection method: clinical testing. Allele origin: germline. Affected: yes. Observed: 2 variant alleles.
Comment: SPG11: PVS1, PM2

Clinical Genomics Laboratory, Washington University in St. Louis
Classification: Pathogenic for Hereditary spastic paraplegia 11. Last evaluated: 2025-11-07. Review status: criteria provided, single submitter. Criteria: ACMG Guidelines, 2015. Collection method: clinical testing. Allele origin: germline. Affected: yes.
Comment: The SPG11 c.5972del (p.Cys1991Phefs*67) variant has been reported in one individual affected with hereditary spastic paraplegia who was compound heterozygous for this variant and a clinically significant variant confirmed in trans (Sjaastad O et al., PMID: 29732542). This variant has been reported in the ClinVar database as a germline pathogenic variant by two submitters and as a likely pathogenic variant by two submitters. This variant is absent from the general population (gnomAD v.2.1.1), indicating it is not a common variant. This variant causes a frameshift by deleting one nucleotide, leading to a premature termination codon, which is predicted to lead to nonsense mediated decay. Based on available information and the ACMG/AMP guidelines for variant interpretation (Richards S et al., PMID: 25741868), this variant is classified as pathogenic.

Labcorp Genetics (formerly Invitae), Labcorp
Classification: Pathogenic for Hereditary spastic paraplegia 11. Last evaluated: 2025-10-06. Review status: criteria provided, single submitter. Criteria: Invitae Variant Classification Sherloc (09022015). Collection method: clinical testing. Allele origin: germline.
Comment: This sequence change creates a premature translational stop signal (p.Cys1991Phefs*67) in the SPG11 gene. It is expected to result in an absent or disrupted protein product. Loss-of-function variants in SPG11 are known to be pathogenic (PMID: 19105190, 20110243, 22154821, 26556829). This variant is not present in population databases (gnomAD no frequency). This premature translational stop signal has been observed in individual(s) with hereditary spastic paraplegia (PMID: 29732542). ClinVar contains an entry for this variant (Variation ID: 1076252). For these reasons, this variant has been classified as Pathogenic.

Ambry Genetics
Classification: Pathogenic for Inborn genetic diseases. Last evaluated: 2023-05-12. Review status: criteria provided, single submitter. Criteria: Ambry Variant Classification Scheme 2023. Collection method: clinical testing. Allele origin: germline.
Comment: The c.5972delG (p.C1991Ffs*67) alteration, located in exon 31 (coding exon 31) of the SPG11 gene, consists of a deletion of one nucleotide at position 5972, causing a translational frameshift with a predicted alternate stop codon after 67 amino acids. This alteration is expected to result in loss of function by premature protein truncation or nonsense-mediated mRNA decay. This variant was not reported in population-based cohorts in the Genome Aggregation Database (gnomAD). This alteration was detected in conjunction with another alteration in SPG11 in an individual with features of SPG11-related neurologic disorders (Sjaastad, 2018). Based on the available evidence, this alteration is classified as pathogenic.

Genome Diagnostics Laboratory, The Hospital for Sick Children
Classification: Likely pathogenic for Hereditary spastic paraplegia. Last evaluated: 2019-11-05. Review status: criteria provided, single submitter. Criteria: ACMG Guidelines, 2015. Collection method: clinical testing. Allele origin: germline. Affected: yes.

Genome-Nilou Lab
Classification: Likely pathogenic for Hereditary spastic paraplegia 11. Review status: criteria provided, single submitter. Criteria: ACMG Guidelines, 2015. Collection method: clinical testing. Allele origin: germline.

Literature cited by the submitters: PubMed 19105190 (cited by Labcorp Genetics (formerly Invitae), Labcorp); PubMed 20110243 (cited by Labcorp Genetics (formerly Invitae), Labcorp); PubMed 22154821 (cited by Labcorp Genetics (formerly Invitae), Labcorp); PubMed 26556829 (cited by Labcorp Genetics (formerly Invitae), Labcorp); PubMed 29732542 (cited by Labcorp Genetics (formerly Invitae), Labcorp and Ambry Genetics).

NM_025137.4(SPG11):c.5972del (p.Cys1991fs)

Gene: SPG11 (SPG11 vesicle trafficking associated, spatacsin; minus strand). Cytogenetic location: 15q21.1.
Variant type: Deletion.
Coding change: c.5972del on transcript NM_025137.4 (MANE Select); coding-DNA position 5972, one base deleted (G; older notation c.5972delG).
Protein change: p.Cys1991fs; shifts the reading frame from cysteine 1991.
Molecular consequence: frameshift variant. On other transcripts: intron variant (1).
Genome position (GRCh38, 1-based): chr15:44,574,936, C deleted on the plus strand (G on the coding strand, the reverse complement: SPG11 is on the minus strand). VCF-style (leftmost placement, unchanged base first): chr15-44574935-AC-A. GRCh37 (hg19) VCF-style: chr15-44867133-AC-A.
Other names: c.5867-2116del (NM_001160227.2); short protein forms C1991fs.
Identifiers: ClinVar variation 1076252 (VCV001076252.17), dbSNP rs2082503070, ClinGen allele CA2173690250.